The following is an entry in ClinVar:

ClinVar aggregate classification (germline): Uncertain significance (1 of 4 stars; one submission).

Submission:

Women's Health and Genetics/Laboratory Corporation of America, LabCorp
Classification: Uncertain significance. Last evaluated: 2025-06-10. Review status: criteria provided, single submitter. Criteria: LabCorp Variant Classification Summary - May 2015. Collection method: clinical testing. Allele origin: germline.
Comment: Variant summary: PLAU c.681-3_681-2delCA alters a conserved nucleotide located close to a canonical splice site and therefore could affect mRNA splicing, leading to a significantly altered protein sequence. Consensus agreement among computation tools predict no significant impact on normal splicing. However, these predictions have yet to be confirmed by functional studies. The variant allele was found at a frequency of 4e-06 in 251200 control chromosomes. The available data on variant occurrences in the general population are insufficient to allow any conclusion about variant significance. To our knowledge, no occurrence of c.681-3_681-2delCA in individuals affected with Quebec Platelet Disorder and no experimental evidence demonstrating its impact on protein function have been reported. No submitters have cited clinical-significance assessments for this variant to ClinVar. Based on the evidence outlined above, the variant was classified as uncertain significance.

NM_002658.6(PLAU):c.681-3_681-2del

Genes: C10orf55 (chromosome 10 putative open reading frame 55; minus strand), PLAU (plasminogen activator, urokinase; plus strand), LOC126860960 (BRD4-independent group 4 enhancer GRCh37_chr10:75672789-75673988; plus strand). Cytogenetic location: 10q22.2.
Variant type: Microsatellite.
Coding change: c.681-3_681-2del on transcript NM_002658.6 (MANE Select); 3 bases into the intron before coding-DNA position 681 through the canonical splice acceptor site of the intron before coding-DNA position 681, 2 bases deleted (CA; older notation c.681-3_681-2delCA).
Molecular consequence: splice acceptor variant.
Genome position (GRCh38, 1-based): chr10:73,913,977-73,913,978, CA deleted; deleting any 2 consecutive bases within chr10:73,913,975-73,913,978 gives the same sequence; the c. name uses the placement nearest the transcript's 3' end. VCF-style (leftmost placement, unchanged base first): chr10-73913974-CCA-C. GRCh37 (hg19) VCF-style: chr10-75673732-CCA-C.
Other names: c.681-3_681-2delCA (NM_002658.6); c.423-3_423-2del (NM_001319191.2); c.630-3_630-2del (NM_001145031.3).
Identifiers: ClinVar variation 3907265 (VCV003907265.1).
Genomic context (GRCh38, chr10:73,913,974, plus strand): 5'-GGGAGGGAAGGAAGAAGTGGCAGATTTCATGGGACTAAGCTGTTTGATGGGTATCTTCTC[CCA>C]CAGTGATTACCCAAAGAAGGAGGACTACATCGTCTACCTGGGTCGCTCAAGGCTTAACTC-3'